The following is an entry in ClinVar:

NM_004656.4(BAP1):c.507C>G (p.His169Gln)

Gene: BAP1 (BRCA1 associated deubiquitinase 1; minus strand). Cytogenetic location: 3p21.1.
Variant type: single nucleotide variant.
Coding change: c.507C>G on transcript NM_004656.4 (MANE Select); coding-DNA position 507, C replaced by G.
Protein change: p.His169Gln; replaces histidine 169 with glutamine.
Molecular consequence: missense variant.
Genome position (GRCh38, 1-based): chr3:52,407,247, G>C on the plus strand (C>G on the coding strand, the complement: BAP1 is on the minus strand). VCF-style: chr3-52407247-G-C. GRCh37 (hg19) VCF-style: chr3-52441263-G-C.
Other names: c.507C>G, p.His169Gln (NM_001410772.1); short protein forms H169Q.
Identifiers: ClinVar variation 3132975 (VCV003132975.1), dbSNP rs2153227827, ClinGen allele CA353109955.

ClinVar aggregate classification (germline): Likely pathogenic (1 of 4 stars; one submission).

Conditions:
Hereditary cancer-predisposing syndrome. Also called: Neoplastic Syndromes, Hereditary; Tumor predisposition; Hereditary neoplastic syndrome; Hereditary Cancer Syndrome. Identifiers: Orphanet 140162, MedGen C0027672, MeSH D009386, MONDO:0015356.

Submission:

Ambry Genetics
Classification: Likely pathogenic for Hereditary cancer-predisposing syndrome. Last evaluated: 2023-11-20. Review status: criteria provided, single submitter. Criteria: Ambry Variant Classification Scheme 2023. Collection method: clinical testing. Allele origin: germline.
Comment: The c.507C>G (p.H169Q) alteration is located in exon 7 (coding exon 7) of the BAP1 gene. This alteration results from a C to G substitution at nucleotide position 507, causing the histidine (H) at amino acid position 169 to be replaced by a glutamine (Q). _x000D_ _x000D_ for BAP1-related neurodevelopmental disorder; however, its clinical significance for BAP1-related tumor predisposition syndrome is uncertain. This variant was not reported in population-based cohorts in the Genome Aggregation Database (gnomAD). Another alteration at the same codon, c.506A>G (p.H169R), has been detected as de novo in two individuals with a syndromic form of intellectual disability and/or developmental delay (K&uuml;ry, 2022). This amino acid position is highly conserved in available vertebrate species. This missense alteration is located in a region that has a low rate of benign missense variation (Lek, 2016; Firth, 2009). Based on internal structural analysis, the variant disrupts a catalytic site (K&uuml;ry, 2022). This alteration is predicted to be deleterious by in silico analysis. Based on the available evidence, this alteration is classified as likely pathogenic.

Literature cited by the submitters: PubMed 35051358.